The following is an entry in ClinVar:

NM_001999.4(FBN2):c.3028G>T (p.Asp1010Tyr)

Genes: FBN2 (fibrillin 2; minus strand), LOC126807501 (BRD4-independent group 4 enhancer GRCh37_chr5:127680731-127681930; plus strand). Cytogenetic location: 5q23.3.
Variant type: single nucleotide variant.
Coding change: c.3028G>T on transcript NM_001999.4 (MANE Select); coding-DNA position 3028, G replaced by T.
Protein change: p.Asp1010Tyr; replaces aspartic acid 1010 with tyrosine.
Molecular consequence: missense variant.
Genome position (GRCh38, 1-based): chr5:128,345,546, C>A on the plus strand (G>T on the coding strand, the complement: FBN2 is on the minus strand). VCF-style: chr5-128345546-C-A. GRCh37 (hg19) VCF-style: chr5-127681238-C-A.
Other names: short protein forms D1010Y.
Identifiers: ClinVar variation 4688019 (VCV004688019.1).
Genomic context (GRCh38, chr5:128,345,546, plus strand): 5'-CGACAGCACAGCAGCAGGCATCCATGCGGAACTTTCCAGGAACGGGGTGGATGCATTCAT[C>A]TTCATCCCACTTCAAGTAACACTGCTCCATGCGAATATCTACACCGAGAACGAAATCACA-3'
Protein context (NP_001990.2, residues 1000-1020): MEQCYLKWDE[Asp1010Tyr]ECIHPVPGKF

ClinVar aggregate classification (germline): Uncertain significance (1 of 4 stars; one submission).

Conditions:
Congenital contractural arachnodactyly (CCA). Also called: Beals-Hecht syndrome; BEALS SYNDROME; Arthrogryposis, distal, type 9. Identifiers: Orphanet 115, MedGen C0220668, MONDO:0007363, OMIM 121050.

Submission:

Human Genetics Bochum, Ruhr University Bochum
Classification: Uncertain significance for Congenital contractural arachnodactyly. Last evaluated: 2025-01-20. Review status: criteria provided, single submitter. Criteria: ACMG Guidelines, 2015. Collection method: clinical testing. Allele origin: germline. Affected: yes.
Comment: ACMG criteria used to clasify this variant: PP3_MOD, PM2_SUP, PP2